The following is an entry in ClinVar:

NM_001378120.1(MBD5):c.2561A>G (p.Asn854Ser)

Gene: MBD5 (methyl-CpG binding domain protein 5; plus strand). Cytogenetic location: 2q23.1.
Variant type: single nucleotide variant.
Coding change: c.2561A>G on transcript NM_001378120.1 (MANE Select); coding-DNA position 2561, A replaced by G.
Protein change: p.Asn854Ser; replaces asparagine 854 with serine.
Molecular consequence: missense variant.
Genome position (GRCh38, 1-based): chr2:148,483,152, A>G. VCF-style: chr2-148483152-A-G. GRCh37 (hg19) VCF-style: chr2-149240721-A-G.
Other names: c.2561A>G, p.Asn854Ser (NM_018328.5); short protein forms N854S.
Identifiers: ClinVar variation 435824 (VCV000435824.13), dbSNP rs1358383505, ClinGen allele CA348722219.
Genomic context (GRCh38, chr2:148,483,152, plus strand): 5'-TTTTTTTTTTCATTTTAGGCGGTTCAGGACCATCATCCTCCATAGCCATAGCGGGCACCA[A>G]CCACCCTGCCATCACAAAGACAACATCTGTTCTTCAAGATGGCGTCATAGTCACCACTGC-3'
Protein context (NP_001365049.1, residues 844-864): PSSSIAIAGT[Asn854Ser]HPAITKTTSV

ClinVar aggregate classification (germline): Uncertain significance. Review status: criteria provided, multiple submitters, no conflicts (2 of 4 stars). 2 submissions from 2 submitters: Uncertain significance (2). Last evaluated 2024-09-08.

Conditions:
Intellectual developmental disorder, autosomal dominant 1. Also called: MBD5 Haploinsufficiency; Intellectual disability, autosomal dominant 1. Identifiers: Orphanet 228402, MedGen C1969562, MONDO:0007974, OMIM 156200.

Allele frequency attached by ClinVar (database versions not stated): TOPMed 0.00001; gnomAD 0.00002; gnomAD exomes 0.00001.
gnomAD v4.1: 9 of 1,613,262 alleles (0.00056%); highest among the groups gnomAD compares: Non-Finnish European, 0.00076%; 1 homozygote.

Submissions (2):

Labcorp Genetics (formerly Invitae), Labcorp
Classification: Uncertain significance for Intellectual developmental disorder, autosomal dominant 1. Last evaluated: 2024-09-08. Review status: criteria provided, single submitter. Criteria: Invitae Variant Classification Sherloc (09022015). Collection method: clinical testing. Allele origin: germline.
Comment: This sequence change replaces asparagine, which is neutral and polar, with serine, which is neutral and polar, at codon 854 of the MBD5 protein (p.Asn854Ser). This variant is not present in population databases (gnomAD no frequency). This variant has not been reported in the literature in individuals affected with MBD5-related conditions. ClinVar contains an entry for this variant (Variation ID: 435824). Invitae Evidence Modeling of protein sequence and biophysical properties (such as structural, functional, and spatial information, amino acid conservation, physicochemical variation, residue mobility, and thermodynamic stability) indicates that this missense variant is not expected to disrupt MBD5 protein function with a negative predictive value of 80%. In summary, the available evidence is currently insufficient to determine the role of this variant in disease. Therefore, it has been classified as a Variant of Uncertain Significance.

Genetic Services Laboratory, University of Chicago
Classification: Uncertain significance. Last evaluated: 2017-02-03. Review status: criteria provided, single submitter. Criteria: ACMG Guidelines, 2015. Collection method: clinical testing. Allele origin: germline. Affected: no.